The following is an entry in ClinVar:

NM_000093.5(COL5A1):c.3040C>T (p.Arg1014Cys)

Gene: COL5A1 (collagen type V alpha 1 chain; plus strand). Cytogenetic location: 9q34.3.
Variant type: single nucleotide variant.
Coding change: c.3040C>T on transcript NM_000093.5 (MANE Select); coding-DNA position 3040, C replaced by T.
Protein change: p.Arg1014Cys; replaces arginine 1014 with cysteine.
Molecular consequence: missense variant.
Genome position (GRCh38, 1-based): chr9:134,802,921, C>T. VCF-style: chr9-134802921-C-T. GRCh37 (hg19) VCF-style: chr9-137694767-C-T.
Other names: c.3040C>T, p.Arg1014Cys (NM_001278074.1); short protein forms R1014C.
Identifiers: ClinVar variation 847961 (VCV000847961.17), dbSNP rs780601499, ClinGen allele CA5319739.

ClinVar aggregate classification (germline): Conflicting classifications of pathogenicity. Review status: criteria provided, conflicting classifications (1 of 4 stars). 3 submissions from 3 submitters: Uncertain significance (1); Likely benign (2). Last evaluated 2023-01-12.

Conditions:
Ehlers-Danlos syndrome, classic type, 1 (EDSCL1). Also called: EDS I; EHLERS-DANLOS SYNDROME, GRAVIS TYPE; EHLERS-DANLOS SYNDROME, SEVERE CLASSIC TYPE; Ehlers-Danlos Syndrome, Classic Type, COL5A1-Related; Ehlers-Danlos syndrome, type 1. Identifiers: MedGen C0268335, MONDO:0019567, OMIM 130000.

Allele frequency attached by ClinVar (database versions not stated): TOPMed below 0.00001; gnomAD 0.00002; gnomAD exomes 0.00002; ExAC 0.00003.
gnomAD v4.1: 19 of 1,612,072 alleles (0.0012%); highest among the groups gnomAD compares: African/African-American, 0.0027%; no homozygotes.

Submissions (3):

Blueprint Genetics
Classification: Likely benign. Last evaluated: 2023-01-12. Review status: criteria provided, single submitter. Criteria: ACMG Guidelines, 2015. Collection method: clinical testing. Allele origin: germline.

Labcorp Genetics (formerly Invitae), Labcorp
Classification: Likely benign for Ehlers-Danlos syndrome, classic type, 1. Last evaluated: 2022-12-02. Review status: criteria provided, single submitter. Criteria: Invitae Variant Classification Sherloc (09022015). Collection method: clinical testing. Allele origin: germline.

GeneDx
Classification: Uncertain significance. Last evaluated: 2019-09-06. Review status: criteria provided, single submitter. Criteria: GeneDx Variant Classification Process June 2021. Collection method: clinical testing. Allele origin: germline. Affected: yes.
Comment: In silico analysis, which includes protein predictors and evolutionary conservation, supports a deleterious effect; Has not been previously published as pathogenic or benign to our knowledge